The following is an entry in ClinVar:

NM_006231.4(POLE):c.3459+9G>A

Gene: POLE (DNA polymerase epsilon, catalytic subunit; minus strand). Cytogenetic location: 12q24.33.
Variant type: single nucleotide variant.
Coding change: c.3459+9G>A on transcript NM_006231.4 (MANE Select); 9 bases into the intron after coding-DNA position 3459, G replaced by A.
Molecular consequence: intron variant.
Genome position (GRCh38, 1-based): chr12:132,657,340, C>T on the plus strand (G>A on the coding strand, the complement: POLE is on the minus strand). VCF-style: chr12-132657340-C-T. GRCh37 (hg19) VCF-style: chr12-133233926-C-T.
Identifiers: ClinVar variation 540878 (VCV000540878.13), dbSNP rs745555988, ClinGen allele CA6893227.
Genomic context (GRCh38, chr12:132,657,340, plus strand): 5'-CAGAGAGAGACCCTTGTCTAACTGCACAGTTTTTAGCCCCACAGCCCGTGCCACTGACCC[C>T]GCCCTTACCTGCTGCAGGGCCGCAGGGATGGTGATGATCTTCTGGATGGCGCTTCCCAGC-3'

ClinVar aggregate classification (germline): Likely benign. Review status: criteria provided, multiple submitters, no conflicts (2 of 4 stars). 3 submissions from 3 submitters: Likely benign (3). Last evaluated 2025-11-09.

Conditions:
POLE-related disorder. Also called: POLE-related disorders; POLE-related condition.

Allele frequency attached by ClinVar (database versions not stated): gnomAD 0.00002; TOPMed 0.00002.
gnomAD v4.1: 36 of 1,613,946 alleles (0.0022%); highest among the groups gnomAD compares: Middle Eastern, 0.016%; no homozygotes.

Submissions (3):

Labcorp Genetics (formerly Invitae), Labcorp
Classification: Likely benign. Last evaluated: 2025-11-09. Review status: criteria provided, single submitter. Criteria: Invitae Variant Classification Sherloc (09022015). Collection method: clinical testing. Allele origin: germline.

PreventionGenetics, part of Exact Sciences
Classification: Likely benign for POLE-related condition. Last evaluated: 2025-02-07. Review status: criteria provided, single submitter. Criteria: ACMG Guidelines, 2015. Collection method: clinical testing. Allele origin: germline.
Comment: This variant is classified as likely benign based on ACMG/AMP sequence variant interpretation guidelines (Richards et al. 2015 PMID: 25741868, with internal and published modifications).

Blueprint Genetics
Classification: Likely benign. Last evaluated: 2022-12-22. Review status: criteria provided, single submitter. Criteria: ACMG Guidelines, 2015. Collection method: clinical testing. Allele origin: germline.